The following is an entry in ClinVar:

ClinVar aggregate classification (germline): Uncertain significance (1 of 4 stars; one submission).

Conditions:
Emery-Dreifuss muscular dystrophy (EDMD). Also called: Scapuloperoneal syndrome, X-linked (formerly); Humeroperoneal neuromuscular disease, (formerly). Identifiers: Orphanet 261, MedGen C0410189, MONDO:0016830.

Submission:

Labcorp Genetics (formerly Invitae), Labcorp
Classification: Uncertain significance for Emery-Dreifuss muscular dystrophy. Last evaluated: 2020-12-24. Review status: criteria provided, single submitter. Criteria: Invitae Variant Classification Sherloc (09022015). Collection method: clinical testing. Allele origin: germline.
Comment: This sequence change falls in intron 11 of the SUN2 gene. It does not directly change the encoded amino acid sequence of the SUN2 protein. It affects a nucleotide within the consensus splice site of the intron. The frequency data for this variant in the population databases is considered unreliable, as metrics indicate insufficient coverage at this position in the ExAC database. This variant has not been reported in the literature in individuals with SUN2-related conditions. Nucleotide substitutions within the consensus splice site are a relatively common cause of aberrant splicing (PMID: 17576681, 9536098). Algorithms developed to predict the effect of sequence changes on RNA splicing suggest that this variant is not likely to affect RNA splicing, but this prediction has not been confirmed by published transcriptional studies. In summary, the available evidence is currently insufficient to determine the role of this variant in disease. Therefore, it has been classified as a Variant of Uncertain Significance.

Literature cited by the submitters: PubMed 17576681; PubMed 9536098.

NM_015374.3(SUN2):c.1191-3C>T

Genes: GTPBP1 (GTP binding protein 1; plus strand), SUN2 (Sad1 and UNC84 domain containing 2; minus strand). Cytogenetic location: 22q13.1.
Variant type: single nucleotide variant.
Coding change: c.1191-3C>T on transcript NM_015374.3 (MANE Select); 3 bases into the intron before coding-DNA position 1191, C replaced by T.
Molecular consequence: intron variant.
Genome position (GRCh38, 1-based): chr22:38,740,435, G>A on the plus strand (C>T on the coding strand, the complement: SUN2 is on the minus strand). VCF-style: chr22-38740435-G-A. GRCh37 (hg19) VCF-style: chr22-39136440-G-A.
Other names: c.699-3C>T (NM_001394443.1); c.1101-3C>T (NM_001394438.1); c.1053-3C>T (NM_001394439.1, NM_001394441.1, NM_001394440.1); c.615-3C>T (NM_001394444.1, NM_001394445.1); c.814-25C>T (NM_001394442.1); c.1191-3C>T (NM_001394437.1, NM_001394434.1, NM_001394435.1 and 5 more transcripts); c.1284-3C>T (NM_001394427.1); c.1254-3C>T (NM_001199579.2, NM_001394428.1); and 1 more.
Identifiers: ClinVar variation 1359857 (VCV001359857.1), dbSNP rs2145957103, ClinGen allele CA2573158188.